The following is an entry in ClinVar:

ClinVar aggregate classification (germline): Uncertain significance. Review status: criteria provided, multiple submitters, no conflicts (2 of 4 stars). 2 submissions from 2 submitters: Uncertain significance (2). Last evaluated 2024-12-31.

Conditions:
Inborn genetic diseases. Identifiers: MedGen C0950123, MeSH D030342.

Submissions (2):

Labcorp Genetics (formerly Invitae), Labcorp
Classification: Uncertain significance. Last evaluated: 2024-12-31. Review status: criteria provided, single submitter. Criteria: Invitae Variant Classification Sherloc (09022015). Collection method: clinical testing. Allele origin: germline.
Comment: This sequence change replaces asparagine, which is neutral and polar, with threonine, which is neutral and polar, at codon 414 of the SIN3A protein (p.Asn414Thr). This variant is not present in population databases (gnomAD no frequency). This variant has not been reported in the literature in individuals affected with SIN3A-related conditions. Invitae Evidence Modeling of protein sequence and biophysical properties (such as structural, functional, and spatial information, amino acid conservation, physicochemical variation, residue mobility, and thermodynamic stability) indicates that this missense variant is not expected to disrupt SIN3A protein function with a negative predictive value of 80%. In summary, the available evidence is currently insufficient to determine the role of this variant in disease. Therefore, it has been classified as a Variant of Uncertain Significance.

Ambry Genetics
Classification: Uncertain significance for Inborn genetic diseases. Last evaluated: 2024-10-20. Review status: criteria provided, single submitter. Criteria: Ambry Variant Classification Scheme 2023. Collection method: clinical testing. Allele origin: germline.

NM_001145358.2(SIN3A):c.1241A>C (p.Asn414Thr)

Gene: SIN3A (SIN3 transcription regulator family member A; minus strand). Cytogenetic location: 15q24.2.
Variant type: single nucleotide variant.
Coding change: c.1241A>C on transcript NM_001145358.2 (MANE Select); coding-DNA position 1241, A replaced by C.
Protein change: p.Asn414Thr; replaces asparagine 414 with threonine.
Molecular consequence: missense variant.
Genome position (GRCh38, 1-based): chr15:75,409,912, T>G on the plus strand (A>C on the coding strand, the complement: SIN3A is on the minus strand). VCF-style: chr15-75409912-T-G. GRCh37 (hg19) VCF-style: chr15-75702253-T-G.
Other names: c.1241A>C, p.Asn414Thr (NM_001145357.2, NM_015477.3); short protein forms N414T.
Identifiers: ClinVar variation 3442003 (VCV003442003.3).